The following is an entry in ClinVar:

NM_001374828.1(ARID1B):c.3919+2T>A

Gene: ARID1B (AT-rich interaction domain 1B; plus strand). Cytogenetic location: 6q25.3.
Variant type: single nucleotide variant.
Coding change: c.3919+2T>A on transcript NM_001374828.1 (MANE Select); the canonical splice donor site of the intron after coding-DNA position 3919, T replaced by A.
Molecular consequence: splice donor variant.
Genome position (GRCh38, 1-based): chr6:157,184,437, T>A. VCF-style: chr6-157184437-T-A. GRCh37 (hg19) VCF-style: chr6-157505571-T-A.
Other names: c.3799+2T>A (NM_001371656.1, NM_001374820.1); c.3961+2T>A (NM_001438483.1); c.3802+2T>A (NM_001438486.1); c.4048+2T>A (NM_001438482.1); c.3760+2T>A (NM_017519.3); c.3739+2T>A (NM_001438487.1); c.3829+2T>A (NM_001438485.1); c.1420+2T>A (NM_001363725.2); and 1 more.
Identifiers: ClinVar variation 4717624 (VCV004717624.1).

ClinVar aggregate classification (germline): Likely pathogenic (1 of 4 stars; one submission).

Submission:

Labcorp Genetics (formerly Invitae), Labcorp
Classification: Likely pathogenic. Last evaluated: 2025-04-17. Review status: criteria provided, single submitter. Criteria: Invitae Variant Classification Sherloc (09022015). Collection method: clinical testing. Allele origin: germline.
Comment: This sequence change affects a donor splice site in intron 13 of the ARID1B gene. It is expected to disrupt RNA splicing. Variants that disrupt the donor or acceptor splice site typically lead to a loss of protein function (PMID: 16199547), and loss-of-function variants in ARID1B are known to be pathogenic (PMID: 25674384, 30349098). This variant is not present in population databases (gnomAD no frequency). This variant has not been reported in the literature in individuals affected with ARID1B-related conditions. Algorithms developed to predict the effect of sequence changes on RNA splicing suggest that this variant may disrupt the consensus splice site. In summary, the currently available evidence indicates that the variant is pathogenic, but additional data are needed to prove that conclusively. Therefore, this variant has been classified as Likely Pathogenic.

Literature cited by the submitters: PubMed 16199547; PubMed 25674384; PubMed 30349098.